The following is an entry in ClinVar:

ClinVar aggregate classification (germline): Uncertain significance (1 of 4 stars; one submission).

Allele frequency attached by ClinVar (database versions not stated): TOPMed below 0.00001; gnomAD 0.00001.

Submission:

Labcorp Genetics (formerly Invitae), Labcorp
Classification: Uncertain significance. Last evaluated: 2022-01-13. Review status: criteria provided, single submitter. Criteria: Invitae Variant Classification Sherloc (09022015). Collection method: clinical testing. Allele origin: germline.
Comment: This sequence change falls in intron 4 of the NAXE gene. It does not directly change the encoded amino acid sequence of the NAXE protein. It affects a nucleotide within the consensus splice site. This variant is not present in population databases (gnomAD no frequency). In summary, the available evidence is currently insufficient to determine the role of this variant in disease. Therefore, it has been classified as a Variant of Uncertain Significance. Variants that disrupt the consensus splice site are a relatively common cause of aberrant splicing (PMID: 17576681, 9536098). Algorithms developed to predict the effect of sequence changes on RNA splicing suggest that this variant is not likely to affect RNA splicing. This variant has not been reported in the literature in individuals affected with NAXE-related conditions.

Literature cited by the submitters: PubMed 17576681; PubMed 9536098.

NM_144772.3(NAXE):c.516+4G>C

Gene: NAXE (NAD(P)HX epimerase; plus strand). Cytogenetic location: 1q22.
Variant type: single nucleotide variant.
Coding change: c.516+4G>C on transcript NM_144772.3 (MANE Select); 4 bases into the intron after coding-DNA position 516, G replaced by C.
Molecular consequence: intron variant.
Genome position (GRCh38, 1-based): chr1:156,592,674, G>C. VCF-style: chr1-156592674-G-C. GRCh37 (hg19) VCF-style: chr1-156562466-G-C.
Identifiers: ClinVar variation 1929135 (VCV001929135.5), dbSNP rs1677366035, ClinGen allele CA1008098293.